The following is an entry in ClinVar:

NM_001387777.1(TNS1):c.5421C>T (p.Asn1807=)

Gene: TNS1 (tensin 1; minus strand). Cytogenetic location: 2q35.
Variant type: single nucleotide variant.
Coding change: c.5421C>T on transcript NM_001387777.1 (MANE Select); coding-DNA position 5421, C replaced by T.
Protein change: p.Asn1807=; no amino-acid change (asparagine 1807 retained).
Molecular consequence: synonymous variant.
Genome position (GRCh38, 1-based): chr2:217,804,558, G>A on the plus strand (C>T on the coding strand, the complement: TNS1 is on the minus strand). VCF-style: chr2-217804558-G-A. GRCh37 (hg19) VCF-style: chr2-218669281-G-A.
Other names: c.5067C>T, p.Asn1689= (NM_001308022.2); c.5046C>T, p.Asn1682= (NM_001308023.2); c.5109C>T, p.Asn1703= (NM_022648.7).
Identifiers: ClinVar variation 779082 (VCV000779082.7), dbSNP rs61740057, ClinGen allele CA2099271.

ClinVar aggregate classification (germline): Benign. Review status: criteria provided, multiple submitters, no conflicts (2 of 4 stars). 3 submissions from 3 submitters: Benign (2). 1 of the submissions does not count toward it. Last evaluated 2019-12-31.

Conditions:
TNS1-related disorder. Also called: TNS1-related condition.

Allele frequency attached by ClinVar (database versions not stated): gnomAD exomes 0.00609; ExAC 0.00732; 1000 Genomes Project 0.01338; 1000 Genomes Project 30x 0.01405; gnomAD 0.01558 and 0.01653; TOPMed 0.01739; ESP Exome Variant Server 0.01807.
gnomAD v4.1: 9,797 of 1,614,146 alleles (0.61%); highest among the groups gnomAD compares: African/African-American, 4.6%; 109 homozygotes.

Submissions (3):

Labcorp Genetics (formerly Invitae), Labcorp
Classification: Benign. Last evaluated: 2019-12-31. Review status: criteria provided, single submitter. Criteria: Invitae Variant Classification Sherloc (09022015). Collection method: clinical testing. Allele origin: germline.

Breakthrough Genomics
Classification: Benign. Review status: criteria provided, single submitter. Criteria: ACMG Guidelines, 2015. Collection method: not provided. Allele origin: germline. Inheritance: Unknown mechanism. Affected: yes.

PreventionGenetics, part of Exact Sciences
Classification: Benign for TNS1-related condition. Last evaluated: 2019-05-28. Review status: no assertion criteria provided. Collection method: clinical testing. Allele origin: germline. Not counted in ClinVar's aggregate classification.
Comment: This variant is classified as benign based on ACMG/AMP sequence variant interpretation guidelines (Richards et al. 2015 PMID: 25741868, with internal and published modifications).